The following is an entry in ClinVar:

NM_004168.4(SDHA):c.1820C>T (p.Ser607Phe)

Gene: SDHA (succinate dehydrogenase complex flavoprotein subunit A; plus strand). Cytogenetic location: 5p15.33.
Variant type: single nucleotide variant.
Coding change: c.1820C>T on transcript NM_004168.4 (MANE Select); coding-DNA position 1820, C replaced by T.
Protein change: p.Ser607Phe; replaces serine 607 with phenylalanine.
Molecular consequence: missense variant.
Genome position (GRCh38, 1-based): chr5:254,418, C>T. VCF-style: chr5-254418-C-T. GRCh37 (hg19) VCF-style: chr5-254533-C-T.
Other names: c.1676C>T, p.Ser559Phe (NM_001294332.2); c.1577C>T, p.Ser526Phe (NM_001330758.2); short protein forms S559F, S607F, S526F.
Identifiers: ClinVar variation 3438659 (VCV003438659.1).

ClinVar aggregate classification (germline): Uncertain significance (1 of 4 stars; one submission).

Conditions:
Hereditary cancer-predisposing syndrome. Also called: Tumor predisposition; Neoplastic Syndromes, Hereditary; Hereditary neoplastic syndrome; Hereditary Cancer Syndrome. Identifiers: Orphanet 140162, MedGen C0027672, MeSH D009386, MONDO:0015356.

gnomAD v4.1: 1 of 1,603,292 alleles (0.000062%); highest among the groups gnomAD compares: South Asian, 0.0011%; no homozygotes.

Submission:

Ambry Genetics
Classification: Uncertain significance for Hereditary cancer-predisposing syndrome. Last evaluated: 2024-08-27. Review status: criteria provided, single submitter. Criteria: Ambry Variant Classification Scheme 2023. Collection method: clinical testing. Allele origin: germline.
Comment: The p.S607F variant (also known as c.1820C>T), located in coding exon 14 of the SDHA gene, results from a C to T substitution at nucleotide position 1820. The serine at codon 607 is replaced by phenylalanine, an amino acid with highly dissimilar properties. This amino acid position is highly conserved in available vertebrate species. In addition, this alteration is predicted to be tolerated by in silico analysis. Based on the available evidence, the clinical significance of this variant remains unclear.